The following is an entry in ClinVar:

GRCh38/hg38 16p11.2(chr16:29600893-30187279)x3

Genes: ALDOA (aldolase, fructose-bisphosphate A; plus strand), ASPHD1 (aspartate beta-hydroxylase domain containing 1; plus strand), C16orf54 (chromosome 16 open reading frame 54; minus strand), CDIPT (CDP-diacylglycerol--inositol 3-phosphatidyltransferase; minus strand), CDIPTOSP (CDIP transferase opposite strand, pseudogene; plus strand) and 102 more. Cytogenetic location: 16p11.2.
Variant type: copy number gain.
Change: copy number 3 (three copies instead of two) of chr16:29,600,893-30,187,279 (586.4 kb, GRCh38 coordinates, 1-based), cytogenetic band 16p11.2.
Identifiers: ClinVar variation 60466 (VCV000060466.4).

ClinVar aggregate classification (germline): Pathogenic (0 of 4 stars; one submission).

Submission:

ISCA Site 6
Classification: Pathogenic. Last evaluated: 2018-02-05. Review status: no assertion criteria provided. Collection method: clinical testing. Allele origin: maternal. Affected: yes. Observed: 1 variant allele.
Comment: 16p11.2 recurrent region (includes TBX6) (proximal region) (BP4-BP5) (hg19 chr16: 29,649,996-30,199,855), enriched in cases with ID/DD, MCA etc vs controls, ClinGen triplosensitivity score = 3

Copy number variation identified through the course of routine clinical cytogenomic testing in postnatal populations. Clinical assertions have been curated as described in Kaminsky et al. 2011.

Copy number variation identified through the course of routine clinical cytogenomic testing in postnatal populations. Clinical assertions have been curated as described in Kaminsky, et al. 2011 (PubMed 21844811). For additional ClinGen data, please see nstd37.